The following is an entry in ClinVar:

ClinVar aggregate classification (germline): Uncertain significance. Review status: criteria provided, multiple submitters, no conflicts (2 of 4 stars). 2 submissions from 2 submitters: Uncertain significance (2). Last evaluated 2025-08-09.

Conditions:
Paget disease of bone 2, early-onset (PDB2). Also called: Paget disease of bone 2. Identifiers: MedGen C4085251, MONDO:0011183, OMIM 602080.
Frontotemporal dementia and/or amyotrophic lateral sclerosis 1 (FTDALS1). Also called: C9orf72 Frontotemporal Dementia and/or Amyotrophic Lateral Sclerosis; Frontotemporal dementia with motor neuron disease 1. Identifiers: Orphanet 275872, MedGen C5779877, MONDO:0007105, OMIM 105550.

Submissions (2):

Labcorp Genetics (formerly Invitae), Labcorp
Classification: Uncertain significance for Paget disease of bone 2, early-onset; Frontotemporal dementia and/or amyotrophic lateral sclerosis 1. Last evaluated: 2025-08-09. Review status: criteria provided, single submitter. Criteria: Invitae Variant Classification Sherloc (09022015). Collection method: clinical testing. Allele origin: germline.
Comment: This sequence change replaces glycine, which is neutral and non-polar, with arginine, which is basic and polar, at codon 62 of the SQSTM1 protein (p.Gly62Arg). This variant is not present in population databases (gnomAD no frequency). This variant has not been reported in the literature in individuals affected with SQSTM1-related conditions. ClinVar contains an entry for this variant (Variation ID: 3377937). Invitae Evidence Modeling of protein sequence and biophysical properties (such as structural, functional, and spatial information, amino acid conservation, physicochemical variation, residue mobility, and thermodynamic stability) indicates that this missense variant is not expected to disrupt SQSTM1 protein function with a negative predictive value of 80%. In summary, the available evidence is currently insufficient to determine the role of this variant in disease. Therefore, it has been classified as a Variant of Uncertain Significance.

GeneDx
Classification: Uncertain significance. Last evaluated: 2024-05-15. Review status: criteria provided, single submitter. Criteria: GeneDx Variant Classification Process June 2021. Collection method: clinical testing. Allele origin: germline. Affected: yes.
Comment: Not observed at significant frequency in large population cohorts (gnomAD); In silico analysis supports that this missense variant has a deleterious effect on protein structure/function; Has not been previously published as pathogenic or benign to our knowledge

NM_003900.5(SQSTM1):c.184G>C (p.Gly62Arg)

Genes: SQSTM1 (sequestosome 1; plus strand), LOC129995449 (ATAC-STARR-seq lymphoblastoid silent region 16749; plus strand). Cytogenetic location: 5q35.3.
Variant type: single nucleotide variant.
Coding change: c.184G>C on transcript NM_003900.5 (MANE Select); coding-DNA position 184, G replaced by C.
Protein change: p.Gly62Arg; replaces glycine 62 with arginine.
Molecular consequence: missense variant. On other transcripts: intron variant (2).
Genome position (GRCh38, 1-based): chr5:179,821,120, G>C. VCF-style: chr5-179821120-G-C. GRCh37 (hg19) VCF-style: chr5-179248120-G-C.
Other names: c.-47-1838G>C (NM_001142298.2, NM_001142299.2); short protein forms G62R.
Identifiers: ClinVar variation 3377937 (VCV003377937.2).